The following is an entry in ClinVar:

ClinVar aggregate classification (germline): Uncertain significance (0 of 4 stars; one submission).

Conditions:
Polycystic kidney disease. Also called: Polycystic kidney dysplasia; Kidney, Polycystic. Identifiers: MedGen C0022680, MeSH D007690, MONDO:0020642, HP:0000113.

Submission:

Department of Pathology and Laboratory Medicine, Sinai Health System
Classification: Uncertain significance for Polycystic Kidney disease. Review status: no assertion criteria provided. Collection method: clinical testing. Allele origin: unknown. Affected: yes. Study: The Canadian Open Genetics Repository (COGR).
Comment: The PKD1 p.Asp2277Glu variant was not identified in the literature nor was it identified in the dbSNP, ClinVar, GeneInsight-COGR, LOVD 3.0, ADPKD Mutation Database, PKD1-LOVD, databases. The variant was not identified in the following control databases: the 1000 Genomes Project, the NHLBI GO Exome Sequencing Project, the Exome Aggregation Consortium (August 8th 2016), or the Genome Aggregation Database (Feb 27, 2017). The p.Asp2277 residue is conserved in mammals and computational analyses (PolyPhen-2, SIFT, AlignGVGD, BLOSUM, MutationTaster) provide inconsistent predictions regarding the impact to the protein; this information is not very predictive of pathogenicity. The variant occurs outside of the splicing consensus sequence and 1 of 5 in silico or computational prediction software programs (SpliceSiteFinder, MaxEntScan, NNSPLICE, GeneSplicer, HumanSpliceFinder) predict a greater than 10% difference in splicing; this is not very predictive of pathogenicity. In summary, based on the above information, the clinical significance of this variant cannot be determined with certainty at this time. This variant is classified as a variant of uncertain significance.

NM_001009944.3(PKD1):c.6831T>A (p.Asp2277Glu)

Gene: PKD1 (polycystin 1, transient receptor potential channel interacting; minus strand). Cytogenetic location: 16p13.3.
Variant type: single nucleotide variant.
Coding change: c.6831T>A on transcript NM_001009944.3 (MANE Select); coding-DNA position 6831, T replaced by A.
Protein change: p.Asp2277Glu; replaces aspartic acid 2277 with glutamic acid.
Molecular consequence: missense variant.
Genome position (GRCh38, 1-based): chr16:2,108,336, A>T on the plus strand (T>A on the coding strand, the complement: PKD1 is on the minus strand). VCF-style: chr16-2108336-A-T. GRCh37 (hg19) VCF-style: chr16-2158337-A-T.
Other names: c.6831T>A, p.Asp2277Glu (NM_000296.4); short protein forms D2277E.
Identifiers: ClinVar variation 997286 (VCV000997286.1), dbSNP rs2092413339, ClinGen allele CA394372810.